The following is an entry in ClinVar:

ClinVar aggregate classification (germline): Uncertain significance (1 of 4 stars; one submission).

Conditions:
Early-infantile DEE. Also called: Early infantile epileptic encephalopathy; Ohtahara syndrome; Early infantile epileptic encephalopathy with suppression bursts. Identifiers: Orphanet 1934, MedGen C0393706, MONDO:0800491.

Allele frequency attached by ClinVar (database versions not stated): TOPMed below 0.00001; gnomAD exomes 0.00001.
gnomAD v4.1: 7 of 1,608,936 alleles (0.00044%); highest among the groups gnomAD compares: East Asian, 0.013%; no homozygotes.

Submission:

Labcorp Genetics (formerly Invitae), Labcorp
Classification: Uncertain significance for Early-infantile DEE. Last evaluated: 2022-02-02. Review status: criteria provided, single submitter. Criteria: Invitae Variant Classification Sherloc (09022015). Collection method: clinical testing. Allele origin: germline.
Comment: In summary, the available evidence is currently insufficient to determine the role of this variant in disease. Therefore, it has been classified as a Variant of Uncertain Significance. Algorithms developed to predict the effect of missense changes on protein structure and function are either unavailable or do not agree on the potential impact of this missense change (SIFT: "Deleterious"; PolyPhen-2: "Possibly Damaging"; Align-GVGD: "Class C0"). This missense change has been observed in individual(s) with clinical features of SPTAN1-related conditions (Invitae). This variant is not present in population databases (gnomAD no frequency). This sequence change replaces threonine, which is neutral and polar, with isoleucine, which is neutral and non-polar, at codon 1056 of the SPTAN1 protein (p.Thr1056Ile).

NM_001130438.3(SPTAN1):c.3167C>T (p.Thr1056Ile)

Gene: SPTAN1 (spectrin alpha, non-erythrocytic 1; plus strand). Cytogenetic location: 9q34.11.
Variant type: single nucleotide variant.
Coding change: c.3167C>T on transcript NM_001130438.3 (MANE Select); coding-DNA position 3167, C replaced by T.
Protein change: p.Thr1056Ile; replaces threonine 1056 with isoleucine.
Molecular consequence: missense variant. On other transcripts: intron variant (3).
Genome position (GRCh38, 1-based): chr9:128,592,994, C>T. VCF-style: chr9-128592994-C-T. GRCh37 (hg19) VCF-style: chr9-131355273-C-T.
Other names: c.3167C>T, p.Thr1056Ile (NM_001363759.2, NM_001375310.1, NM_001375311.2 and 2 more transcripts); c.3203C>T, p.Thr1068Ile (NM_001375312.2, NM_001375318.1); c.3156-1181C>T (NM_001375314.2, NM_001363765.2, NM_001195532.2); short protein forms T1068I, T1056I.
Identifiers: ClinVar variation 1396882 (VCV001396882.9), dbSNP rs1428641675, ClinGen allele CA375061273.